The following is an entry in ClinVar:

NM_018027.5(FRMD4A):c.45+233009G>A

Gene: FRMD4A (FERM domain containing 4A; minus strand). Cytogenetic location: 10p13.
Variant type: single nucleotide variant.
Coding change: c.45+233009G>A on transcript NM_018027.5 (MANE Select); 233009 bases into the intron after coding-DNA position 45, G replaced by A.
Molecular consequence: intron variant. On other transcripts: non-coding transcript variant (1).
Genome position (GRCh38, 1-based): chr10:14,097,049, C>T on the plus strand (G>A on the coding strand, the complement: FRMD4A is on the minus strand). VCF-style: chr10-14097049-C-T. GRCh37 (hg19) VCF-style: chr10-14139048-C-T.
Identifiers: ClinVar variation 3771763 (VCV003771763.13).
Genomic context (GRCh38, chr10:14,097,049, plus strand): 5'-GACGGGGGTGGTGGTGGGCACCTGCAACCCCAGCTACTCAGGAGGATGAAGCAGGAGAAT[C>T]GCTTGAACCCGGGAAGCAGAGATTGGAGATTGCAGTGATCCAAGATGGCACCATTGCCCT-3'

ClinVar aggregate classification (germline): Likely benign (1 of 4 stars; one submission).

Submission:

CeGaT Center for Human Genetics Tuebingen
Classification: Likely benign. Last evaluated: 2025-02-01. Review status: criteria provided, single submitter. Criteria: CeGaT Center For Human Genetics Tuebingen Variant Classification Criteria Version 2. Collection method: clinical testing. Allele origin: germline. Affected: yes. Observed: 1 variant allele.
Comment: FRMD4A: BP4, BP7